The following is an entry in ClinVar:

ClinVar aggregate classification (germline): Uncertain significance. Review status: criteria provided, multiple submitters, no conflicts (2 of 4 stars). 3 submissions from 3 submitters: Uncertain significance (3). Last evaluated 2025-01-09.

Conditions:
Inborn genetic diseases. Identifiers: MedGen C0950123, MeSH D030342.
Fucosidosis. Also called: ALPHA-L-FUCOSIDASE DEFICIENCY. Identifiers: Orphanet 349, MedGen C0016788, MONDO:0009254, OMIM 230000.

Allele frequency attached by ClinVar (database versions not stated): ExAC 0.00004; TOPMed 0.00008; gnomAD exomes 0.00009.
gnomAD v4.1: 141 of 1,614,060 alleles (0.0087%); highest among the groups gnomAD compares: Non-Finnish European, 0.011%; no homozygotes.

Submissions (3):

GeneDx
Classification: Uncertain significance. Last evaluated: 2025-01-09. Review status: criteria provided, single submitter. Criteria: GeneDx Variant Classification Process June 2021. Collection method: clinical testing. Allele origin: germline. Affected: yes.
Comment: Not observed at significant frequency in large population cohorts (gnomAD); In silico analysis supports that this missense variant has a deleterious effect on protein structure/function; Has not been previously published as pathogenic or benign to our knowledge

Labcorp Genetics (formerly Invitae), Labcorp
Classification: Uncertain significance for Fucosidosis. Last evaluated: 2022-03-18. Review status: criteria provided, single submitter. Criteria: Invitae Variant Classification Sherloc (09022015). Collection method: clinical testing. Allele origin: germline.
Comment: This sequence change replaces isoleucine, which is neutral and non-polar, with threonine, which is neutral and polar, at codon 339 of the FUCA1 protein (p.Ile339Thr). This variant is present in population databases (rs775385097, gnomAD 0.01%). This variant has not been reported in the literature in individuals affected with FUCA1-related conditions. Algorithms developed to predict the effect of missense changes on protein structure and function are either unavailable or do not agree on the potential impact of this missense change (SIFT: "Deleterious"; PolyPhen-2: "Benign"; Align-GVGD: "Class C15"). In summary, the available evidence is currently insufficient to determine the role of this variant in disease. Therefore, it has been classified as a Variant of Uncertain Significance.

Ambry Genetics
Classification: Uncertain significance for Inborn genetic diseases. Last evaluated: 2021-09-16. Review status: criteria provided, single submitter. Criteria: Ambry Variant Classification Scheme 2023. Collection method: clinical testing. Allele origin: germline.

NM_000147.5(FUCA1):c.1016T>C (p.Ile339Thr)

Gene: FUCA1 (alpha-L-fucosidase 1; minus strand). Cytogenetic location: 1p36.11.
Variant type: single nucleotide variant.
Coding change: c.1016T>C on transcript NM_000147.5 (MANE Select); coding-DNA position 1016, T replaced by C.
Protein change: p.Ile339Thr; replaces isoleucine 339 with threonine.
Molecular consequence: missense variant. On other transcripts: non-coding transcript variant (4).
Genome position (GRCh38, 1-based): chr1:23,848,793, A>G on the plus strand (T>C on the coding strand, the complement: FUCA1 is on the minus strand). VCF-style: chr1-23848793-A-G. GRCh37 (hg19) VCF-style: chr1-24175283-A-G.
Other names: short protein forms I339T.
Identifiers: ClinVar variation 2045937 (VCV002045937.3), dbSNP rs775385097, ClinGen allele CA686377.